The following is an entry in ClinVar:

NM_032043.3(BRIP1):c.1332C>A (p.Ser444Arg)

Gene: BRIP1 (BRCA1 interacting DNA helicase 1; minus strand). Cytogenetic location: 17q23.2.
Variant type: single nucleotide variant.
Coding change: c.1332C>A on transcript NM_032043.3 (MANE Select); coding-DNA position 1332, C replaced by A.
Protein change: p.Ser444Arg; replaces serine 444 with arginine.
Molecular consequence: missense variant.
Genome position (GRCh38, 1-based): chr17:61,799,108, G>T on the plus strand (C>A on the coding strand, the complement: BRIP1 is on the minus strand). VCF-style: chr17-61799108-G-T. GRCh37 (hg19) VCF-style: chr17-59876469-G-T.
Other names: short protein forms S444R.
Identifiers: ClinVar variation 645839 (VCV000645839.9), dbSNP rs200581792, ClinGen allele CA400483331.

ClinVar aggregate classification (germline): Uncertain significance (1 of 4 stars; one submission).

Conditions:
Familial cancer of breast. Also called: hereditary breast carcinoma; BREAST CANCER, FAMILIAL; Hereditary breast cancer. Identifiers: Orphanet 227535, MedGen C0346153, MONDO:0016419, OMIM 114480. Disease mechanism: loss of function.
Fanconi anemia complementation group J. Also called: BRIP1-Related Fanconi Anemia. Identifiers: Orphanet 84, MedGen C1836860, MONDO:0012187, OMIM 609054.

Submission:

Labcorp Genetics (formerly Invitae), Labcorp
Classification: Uncertain significance for Familial cancer of breast; Fanconi anemia complementation group J. Last evaluated: 2024-01-31. Review status: criteria provided, single submitter. Criteria: Invitae Variant Classification Sherloc (09022015). Collection method: clinical testing. Allele origin: germline.
Comment: This sequence change replaces serine, which is neutral and polar, with arginine, which is basic and polar, at codon 444 of the BRIP1 protein (p.Ser444Arg). This variant is not present in population databases (gnomAD no frequency). This variant has not been reported in the literature in individuals affected with BRIP1-related conditions. ClinVar contains an entry for this variant (Variation ID: 645839). Advanced modeling of protein sequence and biophysical properties (such as structural, functional, and spatial information, amino acid conservation, physicochemical variation, residue mobility, and thermodynamic stability) has been performed at Invitae for this missense variant, however the output from this modeling did not meet the statistical confidence thresholds required to predict the impact of this variant on BRIP1 protein function. In summary, the available evidence is currently insufficient to determine the role of this variant in disease. Therefore, it has been classified as a Variant of Uncertain Significance.